The following is an entry in ClinVar:

ClinVar aggregate classification (germline): Uncertain significance. Review status: criteria provided, multiple submitters, no conflicts (2 of 4 stars). 2 submissions from 2 submitters: Uncertain significance (2). Last evaluated 2026-01-30.

Conditions:
PCNT-related disorder. Also called: PCNT-related condition.
Inborn genetic diseases. Identifiers: MedGen C0950123, MeSH D030342.

Allele frequency attached by ClinVar (database versions not stated): gnomAD 0.00002; gnomAD exomes 0.00002; ExAC 0.00005.
gnomAD v4.1: 36 of 1,614,110 alleles (0.0022%); highest among the groups gnomAD compares: South Asian, 0.037%; no homozygotes.

Submissions (2):

PreventionGenetics, part of Exact Sciences
Classification: Uncertain significance for PCNT-related condition. Last evaluated: 2026-01-30. Review status: criteria provided, single submitter. Criteria: ACMG Guidelines, 2015. Collection method: clinical testing. Allele origin: germline.
Comment: The PCNT c.8654A>G variant is predicted to result in the amino acid substitution p.Gln2885Arg. To our knowledge, this variant has not been reported in the literature. This variant is reported in 0.033% of alleles in individuals of South Asian descent in gnomAD. At this time, the clinical significance of this variant is uncertain due to the absence of conclusive functional and genetic evidence.

Ambry Genetics
Classification: Uncertain significance for Inborn genetic diseases. Last evaluated: 2023-12-11. Review status: criteria provided, single submitter. Criteria: Ambry Variant Classification Scheme 2023. Collection method: clinical testing. Allele origin: germline.

NM_006031.6(PCNT):c.8654A>G (p.Gln2885Arg)

Gene: PCNT (pericentrin; plus strand). Cytogenetic location: 21q22.3.
Variant type: single nucleotide variant.
Coding change: c.8654A>G on transcript NM_006031.6 (MANE Select); coding-DNA position 8654, A replaced by G.
Protein change: p.Gln2885Arg; replaces glutamine 2885 with arginine.
Molecular consequence: missense variant. On other transcripts: intron variant (1).
Genome position (GRCh38, 1-based): chr21:46,432,118, A>G. VCF-style: chr21-46432118-A-G. GRCh37 (hg19) VCF-style: chr21-47852032-A-G.
Other names: c.8160+140A>G (NM_001315529.2); short protein forms Q2885R.
Identifiers: ClinVar variation 3210386 (VCV003210386.2), dbSNP rs548704905, ClinGen allele CA10081019.